The following is an entry in ClinVar:

NM_000257.4(MYH7):c.2624AGA[1] (p.Lys876del)

Genes: MYH7 (myosin heavy chain 7; minus strand), LOC126861898 (BRD4-independent group 4 enhancer GRCh37_chr14:23893609-23894808; plus strand). Cytogenetic location: 14q11.2.
Variant type: Microsatellite.
Coding change: c.2624AGA[1] on transcript NM_000257.4 (MANE Select); one copy of the 3-base unit AGA starting at c.2624; the reference has two copies in a row; one copy, 3 bases deleted.
Protein change: p.Lys876del; deletes lysine 876.
Molecular consequence: inframe deletion.
Genome position (GRCh38, 1-based): chr14:23,424,819-23,424,821, TCT deleted on the plus strand (AGA on the coding strand, the reverse complement: MYH7 is on the minus strand); deleting any 3 consecutive bases within chr14:23,424,819-23,424,824 gives the same sequence; the position shown is the placement nearest the transcript's 3' end. VCF-style (leftmost placement, unchanged base first): chr14-23424818-ATCT-A. GRCh37 (hg19) VCF-style: chr14-23894027-ATCT-A.
Other names: short protein forms K876del.
Identifiers: ClinVar variation 177867 (VCV000177867.4), dbSNP rs727504368, ClinGen allele CA012760.
Genomic context (GRCh38, chr14:23,424,818, plus strand): 5'-AGGAGCCTCACCGCCTGCACTTGGAGCTGCAGGTCATTCTTCTCCTGCAGCAGGGACACC[ATCT>A]TCTCCTCCAGCTCCTTGCGGCGAGCCTCGGACTTCTCTAGCGCCTCTTTGAGGCGTGTGA-3'

ClinVar aggregate classification (germline): Uncertain significance (1 of 4 stars; one submission).

Submission:

Laboratory for Molecular Medicine, Mass General Brigham Personalized Medicine
Classification: Uncertain significance. Last evaluated: 2014-12-26. Review status: criteria provided, single submitter. Criteria: LMM Criteria. Collection method: clinical testing. Allele origin: germline. Observed: 1 variant allele.
Comment: Variant classified as Uncertain Significance - Favor Pathogenic. The p.Lys876del variant in MYH7 has not been previously reported in individuals with cardiomyop athy or in large population studies. This variant is a deletion of 1 amino acid at position 876 and is not predicted to alter the protein reading-frame. Althoug h it is unclear if this deletion will impact the protein, the deleted amino acid is highly conserved in mammals and evolutionarily distant species, raising the possibility that this change may not be tolerated. In summary, while there is so me suspicion for a pathogenic role, the clinical significance of the p.Lys876del variant is uncertain.